The following is an entry in ClinVar:

ClinVar aggregate classification (germline): Uncertain significance. Review status: criteria provided, multiple submitters, no conflicts (2 of 4 stars). 2 submissions from 2 submitters: Uncertain significance (2). Last evaluated 2025-08-06.

Conditions:
Hereditary cancer-predisposing syndrome. Also called: Neoplastic Syndromes, Hereditary; Tumor predisposition; Hereditary neoplastic syndrome; Hereditary Cancer Syndrome. Identifiers: Orphanet 140162, MedGen C0027672, MeSH D009386, MONDO:0015356.

Allele frequency attached by ClinVar (database versions not stated): gnomAD exomes below 0.00001.

Submissions (2):

Labcorp Genetics (formerly Invitae), Labcorp
Classification: Uncertain significance. Last evaluated: 2025-08-06. Review status: criteria provided, single submitter. Criteria: Invitae Variant Classification Sherloc (09022015). Collection method: clinical testing. Allele origin: germline.
Comment: This sequence change replaces serine, which is neutral and polar, with isoleucine, which is neutral and non-polar, at codon 168 of the HOXB13 protein (p.Ser168Ile). This variant is not present in population databases (gnomAD no frequency). This variant has not been reported in the literature in individuals affected with HOXB13-related conditions. ClinVar contains an entry for this variant (Variation ID: 825392). Invitae Evidence Modeling of protein sequence and biophysical properties (such as structural, functional, and spatial information, amino acid conservation, physicochemical variation, residue mobility, and thermodynamic stability) indicates that this missense variant is not expected to disrupt HOXB13 protein function with a negative predictive value of 80%. In summary, the available evidence is currently insufficient to determine the role of this variant in disease. Therefore, it has been classified as a Variant of Uncertain Significance.

Ambry Genetics
Classification: Uncertain significance for Hereditary cancer-predisposing syndrome. Last evaluated: 2019-10-08. Review status: criteria provided, single submitter. Criteria: Ambry Variant Classification Scheme 2023. Collection method: clinical testing. Allele origin: germline.
Comment: The p.S168I variant (also known as c.503G>T), located in coding exon 1 of the HOXB13 gene, results from a G to T substitution at nucleotide position 503. The serine at codon 168 is replaced by isoleucine, an amino acid with dissimilar properties. This amino acid position is not well conserved in available vertebrate species. In addition, the in silico prediction for this alteration is inconclusive. Since supporting evidence is limited at this time, the clinical significance of this alteration remains unclear.

NM_006361.6(HOXB13):c.503G>T (p.Ser168Ile)

Gene: HOXB13 (homeobox B13; minus strand). Cytogenetic location: 17q21.32.
Variant type: single nucleotide variant.
Coding change: c.503G>T on transcript NM_006361.6 (MANE Select); coding-DNA position 503, G replaced by T.
Protein change: p.Ser168Ile; replaces serine 168 with isoleucine.
Molecular consequence: missense variant.
Genome position (GRCh38, 1-based): chr17:48,728,091, C>A on the plus strand (G>T on the coding strand, the complement: HOXB13 is on the minus strand). VCF-style: chr17-48728091-C-A. GRCh37 (hg19) VCF-style: chr17-46805453-C-A.
Other names: short protein forms S168I.
Identifiers: ClinVar variation 825392 (VCV000825392.5), dbSNP rs1597933981, ClinGen allele CA400107320.
Genomic context (GRCh38, chr17:48,728,091, plus strand): 5'-TGTTCTCCCTGGCAACACATCTGGCTGTTCCAGCCACCAGCGAGAGCCCAAGACTGGTAA[C>A]TGTCCACAGGCAACAGGGAGTCATGTCGCGGTTCTCCAGGAGCACCCAGAGTCTGCACCA-3'
Protein context (NP_006352.2, residues 158-178): PRHDSLLPVD[Ser168Ile]YQSWALAGGW